The following is an entry in ClinVar:

NM_144997.7(FLCN):c.486_499del (p.Arg164fs)

Gene: FLCN (folliculin; minus strand). Cytogenetic location: 17p11.2.
Variant type: Deletion.
Coding change: c.486_499del on transcript NM_144997.7 (MANE Select); coding-DNA positions 486 to 499, 14 bases deleted (GGCCAGGGGCTTCC).
Protein change: p.Arg164fs; shifts the reading frame from arginine 164.
Molecular consequence: frameshift variant.
Genome position (GRCh38, 1-based): chr17:17,224,041-17,224,054, GGAAGCCCCTGGCC deleted on the plus strand (GGCCAGGGGCTTCC on the coding strand, the reverse complement: FLCN is on the minus strand). VCF-style (leftmost placement, unchanged base first): chr17-17224040-TGGAAGCCCCTGGCC-T. GRCh37 (hg19) VCF-style: chr17-17127354-TGGAAGCCCCTGGCC-T.
Other names: c.540_553del, p.Arg182fs (NM_001353229.2); c.486_499del, p.Arg164fs (NM_001353230.2, NM_001353231.2, NM_144606.7); short protein forms R164fs, R182fs.
Identifiers: ClinVar variation 4856737 (VCV004856737.1).

ClinVar aggregate classification (germline): Pathogenic (1 of 4 stars; one submission).

Conditions:
Birt-Hogg-Dube syndrome 1 (BHD1). Also called: FIBROFOLLICULOMAS WITH TRICHODISCOMAS AND ACROCHORDONS. Identifiers: Orphanet 122, MedGen CN375946, MONDO:0800445, OMIM 135150.

Submission:

Myriad Genetics, Inc.
Classification: Pathogenic for Birt-Hogg-Dube syndrome 1. Last evaluated: 2026-02-10. Review status: criteria provided, single submitter. Criteria: Myriad Autosomal Dominant, Autosomal Recessive and X-Linked Classification Criteria (2023). Collection method: clinical testing. Allele origin: unknown.
Comment: This variant is considered pathogenic. This variant creates a frameshift predicted to result in premature protein truncation.